The following is an entry in ClinVar:

ClinVar aggregate classification (germline): Uncertain significance (1 of 4 stars; one submission).

Conditions:
Nephronophthisis. Also called: Juvenile Nephronophthisis. Identifiers: Orphanet 655, MedGen C0687120, MONDO:0019005, HP:0000090.

gnomAD v4.1: 24 of 1,599,762 alleles (0.0015%); highest among the groups gnomAD compares: Non-Finnish European, 0.002%; no homozygotes.

Submission:

Labcorp Genetics (formerly Invitae), Labcorp
Classification: Uncertain significance for Nephronophthisis. Last evaluated: 2022-03-10. Review status: criteria provided, single submitter. Criteria: Invitae Variant Classification Sherloc (09022015). Collection method: clinical testing. Allele origin: germline.
Comment: This variant has not been reported in the literature in individuals affected with NPHP3-related conditions. Algorithms developed to predict the effect of missense changes on protein structure and function are either unavailable or do not agree on the potential impact of this missense change (SIFT: "Deleterious"; PolyPhen-2: "Benign"; Align-GVGD: "Class C0"). In summary, the available evidence is currently insufficient to determine the role of this variant in disease. Therefore, it has been classified as a Variant of Uncertain Significance. This variant is present in population databases (rs142663818, gnomAD 0.003%). This sequence change replaces alanine, which is neutral and non-polar, with glycine, which is neutral and non-polar, at codon 150 of the NPHP3 protein (p.Ala150Gly).

NM_153240.5(NPHP3):c.449C>G (p.Ala150Gly)

Genes: NPHP3 (nephrocystin 3; minus strand), NPHP3-ACAD11 (NPHP3-ACAD11 readthrough (NMD candidate); minus strand). Cytogenetic location: 3q22.1.
Variant type: single nucleotide variant.
Coding change: c.449C>G on transcript NM_153240.5 (MANE Select); coding-DNA position 449, C replaced by G.
Protein change: p.Ala150Gly; replaces alanine 150 with glycine.
Molecular consequence: missense variant. On other transcripts: non-coding transcript variant (1).
Genome position (GRCh38, 1-based): chr3:132,719,775, G>C on the plus strand (C>G on the coding strand, the complement: NPHP3 is on the minus strand). VCF-style: chr3-132719775-G-C. GRCh37 (hg19) VCF-style: chr3-132438619-G-C.
Other names: short protein forms A150G.
Identifiers: ClinVar variation 1980465 (VCV001980465.3), dbSNP rs142663818, ClinGen allele CA2622606.